The following is an entry in ClinVar:

NM_020975.6(RET):c.1620G>A (p.Arg540=)

Gene: RET (ret proto-oncogene; plus strand). Cytogenetic location: 10q11.21.
Variant type: single nucleotide variant.
Coding change: c.1620G>A on transcript NM_020975.6 (MANE Select); coding-DNA position 1620, G replaced by A.
Protein change: p.Arg540=; no amino-acid change (arginine 540 retained).
Molecular consequence: synonymous variant.
Genome position (GRCh38, 1-based): chr10:43,112,196, G>A. VCF-style: chr10-43112196-G-A. GRCh37 (hg19) VCF-style: chr10-43607644-G-A.
Other names: c.1620G>A, p.Arg540= (NM_000323.2, NM_001406743.1, NM_001406744.1 and 6 more transcripts); c.858G>A, p.Arg286= (NM_001355216.2); c.1491G>A, p.Arg497= (NM_001406761.1, NM_001406762.1, NM_001406764.1 and 1 more transcripts); c.1332G>A, p.Arg444= (NM_001406766.1, NM_001406767.1, NM_001406770.1); c.1224G>A, p.Arg408= (NM_001406769.1, NM_001406772.1); c.1182G>A, p.Arg394= (NM_001406771.1, NM_001406773.1); c.1095G>A, p.Arg365= (NM_001406774.1); c.894G>A, p.Arg298= (NM_001406775.1, NM_001406776.1, NM_001406777.1 and 1 more transcripts); and 5 more.
Identifiers: ClinVar variation 1612428 (VCV001612428.10), dbSNP rs776381183, ClinGen allele CA469027669.

ClinVar aggregate classification (germline): Conflicting classifications of pathogenicity. Review status: criteria provided, conflicting classifications (1 of 4 stars). 2 submissions from 2 submitters: Uncertain significance (1); Likely benign (1). Last evaluated 2024-04-22.

Conditions:
Hereditary cancer-predisposing syndrome. Also called: Tumor predisposition; Hereditary Cancer Syndrome; Neoplastic Syndromes, Hereditary; Hereditary neoplastic syndrome. Identifiers: Orphanet 140162, MedGen C0027672, MeSH D009386, MONDO:0015356.
Multiple endocrine neoplasia, type 2 (MEN2). Identifiers: Orphanet 653, MedGen C4048306, MONDO:0019003. Disease mechanism: gain of function.

Allele frequency attached by ClinVar (database versions not stated): gnomAD exomes below 0.00001 and 0.00001; gnomAD 0.00001; TOPMed 0.00001.
gnomAD v4.1: 5 of 1,560,786 alleles (0.00032%); highest among the groups gnomAD compares: South Asian, 0.0024%; no homozygotes.

Submissions (2):

Labcorp Genetics (formerly Invitae), Labcorp
Classification: Likely benign for Multiple endocrine neoplasia, type 2. Last evaluated: 2024-04-22. Review status: criteria provided, single submitter. Criteria: Invitae Variant Classification Sherloc (09022015). Collection method: clinical testing. Allele origin: germline.

Ambry Genetics
Classification: Uncertain significance for Hereditary cancer-predisposing syndrome. Last evaluated: 2024-01-10. Review status: criteria provided, single submitter. Criteria: Ambry Variant Classification Scheme 2023. Collection method: clinical testing. Allele origin: germline.
Comment: The c.1620G>A variant (also known as p.R540R), located in coding exon 8 of the RET gene, results from a G to A substitution at nucleotide position 1620. This nucleotide substitution does not change the at codon 540. This nucleotide position is not well conserved in available vertebrate species. In silico splice site analysis for this alteration is inconclusive. Since supporting evidence is limited at this time, the clinical significance of this alteration remains unclear.